The following is an entry in ClinVar:

ClinVar aggregate classification (germline): Conflicting classifications of pathogenicity. Review status: criteria provided, conflicting classifications (1 of 4 stars). 3 submissions from 3 submitters: Uncertain significance (1); Likely benign (1). 1 of the submissions does not count toward it. Last evaluated 2024-01-19.

Conditions:
Joubert syndrome. Also called: CEREBELLOPARENCHYMAL DISORDER IV; JOUBERT-BOLTSHAUSER SYNDROME; Familial aplasia of the vermis. Identifiers: Orphanet 475, MedGen C5979921, MONDO:0018772.
Nephronophthisis. Also called: Juvenile Nephronophthisis. Identifiers: Orphanet 655, MedGen C0687120, MONDO:0019005, HP:0000090.
Meckel-Gruber syndrome. Also called: DYSENCEPHALIA SPLANCHNOCYSTICA; GRUBER SYNDROME; Dysencephalia splachnocystica. Identifiers: Orphanet 564, MedGen C0265215, MONDO:0018921.
CEP290-related disorder. Also called: CEP290-related disorders; CEP290-related condition. Identifiers: MedGen CN239314.

Allele frequency attached by ClinVar (database versions not stated): gnomAD exomes 0.00001 and 0.00019; TOPMed 0.00003; ExAC 0.00010; gnomAD 0.00019 and 0.00020.
gnomAD v4.1: 14 of 1,352,774 alleles (0.001%); highest among the groups gnomAD compares: African/African-American, 0.027%; no homozygotes.

Submissions (3):

Labcorp Genetics (formerly Invitae), Labcorp
Classification: Likely benign for Joubert syndrome; Meckel-Gruber syndrome; Nephronophthisis. Last evaluated: 2024-01-19. Review status: criteria provided, single submitter. Criteria: Invitae Variant Classification Sherloc (09022015). Collection method: clinical testing. Allele origin: germline.

Genetic Services Laboratory, University of Chicago
Classification: Uncertain significance. Last evaluated: 2017-07-14. Review status: criteria provided, single submitter. Criteria: ACMG Guidelines, 2015. Collection method: clinical testing. Allele origin: germline. Affected: no.

PreventionGenetics, part of Exact Sciences
Classification: Likely benign for CEP290-related condition. Last evaluated: 2021-11-29. Review status: no assertion criteria provided. Collection method: clinical testing. Allele origin: germline. Not counted in ClinVar's aggregate classification.
Comment: This variant is classified as likely benign based on ACMG/AMP sequence variant interpretation guidelines (Richards et al. 2015 PMID: 25741868, with internal and published modifications).

NM_025114.4(CEP290):c.853-9G>A

Gene: CEP290 (centrosomal protein 290; minus strand). Cytogenetic location: 12q21.32.
Variant type: single nucleotide variant.
Coding change: c.853-9G>A on transcript NM_025114.4 (MANE Select); 9 bases into the intron before coding-DNA position 853, G replaced by A.
Molecular consequence: intron variant.
Genome position (GRCh38, 1-based): chr12:88,129,044, C>T on the plus strand (G>A on the coding strand, the complement: CEP290 is on the minus strand). VCF-style: chr12-88129044-C-T. GRCh37 (hg19) VCF-style: chr12-88522821-C-T.
Identifiers: ClinVar variation 1126542 (VCV001126542.14), dbSNP rs974759127, ClinGen allele CA6712684.